The following is an entry in ClinVar:

NM_000341.4(SLC3A1):c.824T>C (p.Phe275Ser)

Gene: SLC3A1 (solute carrier family 3 member 1; plus strand). Cytogenetic location: 2p21.
Variant type: single nucleotide variant.
Coding change: c.824T>C on transcript NM_000341.4 (MANE Select); coding-DNA position 824, T replaced by C.
Protein change: p.Phe275Ser; replaces phenylalanine 275 with serine.
Molecular consequence: missense variant.
Genome position (GRCh38, 1-based): chr2:44,286,090, T>C. VCF-style: chr2-44286090-T-C. GRCh37 (hg19) VCF-style: chr2-44513229-T-C.
Other names: short protein forms F275S.
Identifiers: ClinVar variation 1715505 (VCV001715505.6), dbSNP rs2465901713, ClinGen allele CA346690184.

ClinVar aggregate classification (germline): Uncertain significance (1 of 4 stars; one submission).

Conditions:
Cystinuria (CSNU). Also called: CYSTINURIA, TYPE I; CYSTINURIA, TYPE II; CYSTINURIA, TYPE III; Cystinuria, non-type I. Identifiers: Orphanet 214, MedGen C0010691, MONDO:0009067, OMIM 220100, HP:0003131.

Allele frequency attached by ClinVar (database versions not stated): gnomAD exomes below 0.00001.
gnomAD v4.1: 1 of 1,613,984 alleles (0.000062%); highest among the groups gnomAD compares: South Asian, 0.0011%; no homozygotes.

Submission:

Labcorp Genetics (formerly Invitae), Labcorp
Classification: Uncertain significance for Cystinuria. Last evaluated: 2022-10-31. Review status: criteria provided, single submitter. Criteria: Invitae Variant Classification Sherloc (09022015). Collection method: clinical testing. Allele origin: germline.
Comment: In summary, the available evidence is currently insufficient to determine the role of this variant in disease. Therefore, it has been classified as a Variant of Uncertain Significance. Advanced modeling of protein sequence and biophysical properties (such as structural, functional, and spatial information, amino acid conservation, physicochemical variation, residue mobility, and thermodynamic stability) has been performed at Invitae for this missense variant, however the output from this modeling did not meet the statistical confidence thresholds required to predict the impact of this variant on SLC3A1 protein function. This variant has not been reported in the literature in individuals affected with SLC3A1-related conditions. This variant is not present in population databases (gnomAD no frequency). This sequence change replaces phenylalanine, which is neutral and non-polar, with serine, which is neutral and polar, at codon 275 of the SLC3A1 protein (p.Phe275Ser).